The following is an entry in ClinVar:

ClinVar aggregate classification (germline): Uncertain significance (1 of 4 stars; one submission).

Conditions:
TTC8-related disorder. Also called: TTC8-related condition.

Submission:

PreventionGenetics, part of Exact Sciences
Classification: Uncertain significance for TTC8-related condition. Last evaluated: 2024-11-15. Review status: criteria provided, single submitter. Criteria: ACMG Guidelines, 2015. Collection method: clinical testing. Allele origin: germline.
Comment: The TTC8 c.1194T>A variant is predicted to result in the amino acid substitution p.Asp398Glu. To our knowledge, this variant has not been reported in the literature or in a large population database (gnomAD), indicating this variant is rare. At this time, the clinical significance of this variant is uncertain due to the absence of conclusive functional and genetic evidence.

NM_144596.4(TTC8):c.1194T>A (p.Asp398Glu)

Gene: TTC8 (tetratricopeptide repeat domain 8; plus strand). Cytogenetic location: 14q31.3.
Variant type: single nucleotide variant.
Coding change: c.1194T>A on transcript NM_144596.4 (MANE Select); coding-DNA position 1194, T replaced by A.
Protein change: p.Asp398Glu; replaces aspartic acid 398 with glutamic acid.
Molecular consequence: missense variant. On other transcripts: non-coding transcript variant (1).
Genome position (GRCh38, 1-based): chr14:88,871,693, T>A. VCF-style: chr14-88871693-T-A. GRCh37 (hg19) VCF-style: chr14-89338037-T-A.
Other names: c.1242T>A, p.Asp414Glu (NM_001288781.1); c.600T>A, p.Asp200Glu (NM_001288782.1); c.477T>A, p.Asp159Glu (NM_001288783.1); c.1164T>A, p.Asp388Glu (NM_001366535.2, NM_198309.3); c.1074T>A, p.Asp358Glu (NM_001366536.2, NM_198310.3); short protein forms D358E, D200E, D388E, D398E, D159E, D414E.
Identifiers: ClinVar variation 5002641 (VCV005002641.1).